The following is an entry in ClinVar:

ClinVar aggregate classification (germline): Uncertain significance. Review status: criteria provided, multiple submitters, no conflicts (2 of 4 stars). 2 submissions from 2 submitters: Uncertain significance (2). Last evaluated 2026-06-03.

Allele frequency attached by ClinVar (database versions not stated): gnomAD 0.00003; TOPMed 0.00003; gnomAD exomes 0.00006.
gnomAD v4.1: 92 of 1,544,424 alleles (0.006%); highest among the groups gnomAD compares: Middle Eastern, 0.033%; no homozygotes.

Submissions (2):

GeneDx
Classification: Uncertain significance. Last evaluated: 2026-06-03. Review status: criteria provided, single submitter. Criteria: GeneDx Variant Classification Process June 2021. Collection method: clinical testing. Allele origin: germline.
Comment: In silico analysis suggests that this missense variant does not alter protein structure/function; Has not been previously published as pathogenic or benign to our knowledge

Labcorp Genetics (formerly Invitae), Labcorp
Classification: Uncertain significance. Last evaluated: 2022-04-15. Review status: criteria provided, single submitter. Criteria: Invitae Variant Classification Sherloc (09022015). Collection method: clinical testing. Allele origin: germline.
Comment: This sequence change replaces threonine, which is neutral and polar, with methionine, which is neutral and non-polar, at codon 657 of the PDZD7 protein (p.Thr657Met). This variant is present in population databases (no rsID available, gnomAD 0.008%). This variant has not been reported in the literature in individuals affected with PDZD7-related conditions. Algorithms developed to predict the effect of missense changes on protein structure and function are either unavailable or do not agree on the potential impact of this missense change (SIFT: "Deleterious"; PolyPhen-2: "Not Available"; Align-GVGD: "Class C0"). In summary, the available evidence is currently insufficient to determine the role of this variant in disease. Therefore, it has been classified as a Variant of Uncertain Significance.

NM_001195263.2(PDZD7):c.1970C>T (p.Thr657Met)

Gene: PDZD7 (PDZ domain containing 7; minus strand). Cytogenetic location: 10q24.31.
Variant type: single nucleotide variant.
Coding change: c.1970C>T on transcript NM_001195263.2 (MANE Select); coding-DNA position 1970, C replaced by T.
Protein change: p.Thr657Met; replaces threonine 657 with methionine.
Molecular consequence: missense variant.
Genome position (GRCh38, 1-based): chr10:101,011,725, G>A on the plus strand (C>T on the coding strand, the complement: PDZD7 is on the minus strand). VCF-style: chr10-101011725-G-A. GRCh37 (hg19) VCF-style: chr10-102771482-G-A.
Other names: c.1970C>T (NM_001195263.1); short protein forms T657M.
Identifiers: ClinVar variation 2165479 (VCV002165479.3), dbSNP rs902813776, ClinGen allele CA212979457.